The following is an entry in ClinVar:

ClinVar aggregate classification (germline): Likely benign. Review status: criteria provided, multiple submitters, no conflicts (2 of 4 stars). 3 submissions from 3 submitters: Likely benign (3). Last evaluated 2025-07-22.

Conditions:
Brugada syndrome 8 (BRGDA8). Identifiers: Orphanet 130, MedGen C2751083, MONDO:0013148, OMIM 613123.
Cardiovascular phenotype. Identifiers: MedGen CN230736.

Allele frequency attached by ClinVar (database versions not stated): gnomAD exomes 0.00001; gnomAD 0.00002 and 0.00003; TOPMed 0.00002; ExAC 0.00003; ESP Exome Variant Server 0.00009; 1000 Genomes Project 30x 0.00016.
gnomAD v4.1: 22 of 1,578,760 alleles (0.0014%); highest among the groups gnomAD compares: African/African-American, 0.011%; no homozygotes.

Submissions (3):

Labcorp Genetics (formerly Invitae), Labcorp
Classification: Likely benign for Brugada syndrome 8. Last evaluated: 2025-07-22. Review status: criteria provided, single submitter. Criteria: Invitae Variant Classification Sherloc (09022015). Collection method: clinical testing. Allele origin: germline.

Mayo Clinic Laboratories, Mayo Clinic
Classification: Likely benign. Last evaluated: 2025-06-25. Review status: criteria provided, single submitter. Criteria: ACMG Guidelines, 2015. Collection method: clinical testing. Allele origin: germline. Observed: 1 variant allele.
Comment: BP4, BP7

Ambry Genetics
Classification: Likely benign for Cardiovascular phenotype. Last evaluated: 2023-03-07. Review status: criteria provided, single submitter. Criteria: Ambry Variant Classification Scheme 2023. Collection method: clinical testing. Allele origin: germline.

NM_005477.3(HCN4):c.528C>T (p.Ser176=)

Gene: HCN4 (hyperpolarization activated cyclic nucleotide gated potassium channel 4; minus strand). Cytogenetic location: 15q24.1.
Variant type: single nucleotide variant.
Coding change: c.528C>T on transcript NM_005477.3 (MANE Select); coding-DNA position 528, C replaced by T.
Protein change: p.Ser176=; no amino-acid change (serine 176 retained).
Molecular consequence: synonymous variant.
Genome position (GRCh38, 1-based): chr15:73,367,743, G>A on the plus strand (C>T on the coding strand, the complement: HCN4 is on the minus strand). VCF-style: chr15-73367743-G-A. GRCh37 (hg19) VCF-style: chr15-73660084-G-A.
Other names: p.Ser176=; c.528C>T (NM_005477.2).
Identifiers: ClinVar variation 1653430 (VCV001653430.11), dbSNP rs369418464, ClinGen allele CA7649469.